The following is an entry in ClinVar:

ClinVar aggregate classification (germline): Pathogenic. Review status: criteria provided, multiple submitters, no conflicts (2 of 4 stars). 2 submissions from 2 submitters: Pathogenic (2). Last evaluated 2023-06-20.

Conditions:
Duchenne muscular dystrophy (DMD). Also called: MUSCULAR DYSTROPHY, PSEUDOHYPERTROPHIC PROGRESSIVE, DUCHENNE TYPE; Duchenne Muscular Dystrophy (DMD). Identifiers: Orphanet 98896, MedGen C0013264, MONDO:0010679, OMIM 310200.

Submissions (2):

Labcorp Genetics (formerly Invitae), Labcorp
Classification: Pathogenic for Duchenne muscular dystrophy. Last evaluated: 2023-06-20. Review status: criteria provided, single submitter. Criteria: Invitae Variant Classification Sherloc (09022015). Collection method: clinical testing. Allele origin: germline.
Comment: For these reasons, this variant has been classified as Pathogenic. Algorithms developed to predict the effect of sequence changes on RNA splicing suggest that this variant may disrupt the consensus splice site. This sequence change affects an acceptor splice site in intron 52 of the DMD gene. It is expected to disrupt RNA splicing. Variants that disrupt the donor or acceptor splice site typically lead to a loss of protein function (PMID: 16199547), and loss-of-function variants in DMD are known to be pathogenic (PMID: 16770791, 25007885). This variant is not present in population databases (gnomAD no frequency). Disruption of this splice site has been observed in individuals with DMD-related muscular dystrophy (PMID: 17259292, 19937601, 25972034, 31081998). ClinVar contains an entry for this variant (Variation ID: 447265).

Athena Diagnostics
Classification: Pathogenic. Last evaluated: 2015-10-19. Review status: criteria provided, single submitter. Criteria: Athena Diagnostics Criteria. Collection method: clinical testing. Allele origin: germline.

Literature cited by the submitters: PubMed 16199547 (cited by Labcorp Genetics (formerly Invitae), Labcorp); PubMed 16770791 (cited by Labcorp Genetics (formerly Invitae), Labcorp); PubMed 25007885 (cited by Labcorp Genetics (formerly Invitae), Labcorp); PubMed 17259292 (cited by Labcorp Genetics (formerly Invitae), Labcorp); PubMed 19937601 (cited by Labcorp Genetics (formerly Invitae), Labcorp); PubMed 25972034 (cited by Labcorp Genetics (formerly Invitae), Labcorp and Athena Diagnostics); PubMed 31081998 (cited by Labcorp Genetics (formerly Invitae), Labcorp).

NM_004006.3(DMD):c.7661-2A>G

Gene: DMD (dystrophin; minus strand). Cytogenetic location: Xp21.1.
Variant type: single nucleotide variant.
Coding change: c.7661-2A>G on transcript NM_004006.3 (MANE Select); the canonical splice acceptor site of the intron before coding-DNA position 7661, A replaced by G.
Molecular consequence: splice acceptor variant.
Genome position (GRCh38, 1-based): chrX:31,679,588, T>C on the plus strand (A>G on the coding strand, the complement: DMD is on the minus strand). VCF-style: chrX-31679588-T-C. GRCh37 (hg19) VCF-style: chrX-31697705-T-C.
Other names: c.7637-2A>G (NM_000109.4); c.3638-2A>G (NM_004011.4); c.3629-2A>G (NM_004012.4); c.281-2A>G (NM_004023.3, NM_004020.4, NM_004022.3 and 2 more transcripts); c.7649-2A>G (NM_004009.3); c.7292-2A>G (NM_004010.3).
Identifiers: ClinVar variation 447265 (VCV000447265.9), dbSNP rs1556806356, ClinGen allele CA412657033.